The following is an entry in ClinVar:

NC_000015.9:g.(?_72666113)_(72666961_?)del

Gene: HEXA (hexosaminidase subunit alpha; minus strand). Cytogenetic location: 15q23.
Variant type: Deletion.
Identifiers: ClinVar variation 2423193 (VCV002423193.4).

ClinVar aggregate classification (germline): Uncertain significance (1 of 4 stars; one submission).

Conditions:
Tay-Sachs disease (TSD). Also called: HEXA DEFICIENCY; HEXA Disorders; GM2 gangliosidosis, type 1; Hexosaminidase alpha-subunit deficiency (variant B); Sphingolipidosis, Tay-Sachs; Hexosaminidase A Deficiency. Identifiers: Orphanet 845, MedGen C0039373, MONDO:0010100, OMIM 272800.

Submission:

Labcorp Genetics (formerly Invitae), Labcorp
Classification: Uncertain significance for Tay-Sachs disease. Last evaluated: 2022-09-01. Review status: criteria provided, single submitter. Criteria: Invitae Variant Classification Sherloc (09022015). Collection method: clinical testing. Allele origin: germline.
Comment: This sequence change falls in intron 1 of the HEXA gene. It does not directly change the encoded amino acid sequence of the HEXA protein. This variant has not been reported in the literature in individuals affected with HEXA-related conditions. In summary, the available evidence is currently insufficient to determine the role of this variant in disease. Therefore, it has been classified as a Variant of Uncertain Significance. Experimental studies and prediction algorithms are not available or were not evaluated, and the effect of this variant on mRNA splicing is currently unknown.